The following is an entry in ClinVar:

ClinVar aggregate classification (germline): Uncertain significance (1 of 4 stars; one submission).

Submission:

GeneDx
Classification: Uncertain significance. Last evaluated: 2025-01-30. Review status: criteria provided, single submitter. Criteria: GeneDx Variant Classification Process June 2021. Collection method: clinical testing. Allele origin: germline. Affected: yes.
Comment: Not observed at significant frequency in large population cohorts (gnomAD); Frameshift variant predicted to result in abnormal protein length as the last 1311 amino acids are replaced with 19 different amino acids; Has not been previously published as pathogenic or benign to our knowledge; Reported using an alternate transcript of the gene

NM_001267550.2(TTN):c.11311+3603dup

Gene: TTN (titin; minus strand). Cytogenetic location: 2q31.2.
Variant type: Duplication.
Coding change: c.11311+3603dup on transcript NM_001267550.2 (MANE Select); 3603 bases into the intron after coding-DNA position 11311, one base duplicated (C; older notation c.11311+3603dupC).
Molecular consequence: intron variant. On other transcripts: frameshift variant (1).
Genome position (GRCh38, 1-based): chr2:178,749,521, G duplicated on the plus strand (C on the coding strand, the reverse complement: TTN is on the minus strand); the first of 3 consecutive G bases (chr2:178,749,521-178,749,523); duplicating any one gives the same sequence. VCF-style (leftmost placement, unchanged base first): chr2-178749520-A-AG. GRCh37 (hg19) VCF-style: chr2-179614247-A-AG.
Other names: c.12879dup, p.Phe4294fs (NM_133379.5); c.10222+3603dup (NM_003319.4); c.10798+3603dup (NM_133437.4); c.10597+3603dup (NM_133432.3); c.10360+3603dup (NM_133378.4, NM_001256850.1); short protein forms F4294fs.
Identifiers: ClinVar variation 4072494 (VCV004072494.1).